The following is an entry in ClinVar:

NM_000059.4(BRCA2):c.3829A>G (p.Asn1277Asp)

Gene: BRCA2 (BRCA2 DNA repair associated; plus strand). Cytogenetic location: 13q13.1.
Variant type: single nucleotide variant.
Coding change: c.3829A>G on transcript NM_000059.4 (MANE Select); coding-DNA position 3829, A replaced by G.
Protein change: p.Asn1277Asp; replaces asparagine 1277 with aspartic acid.
Molecular consequence: missense variant. On other transcripts: non-coding transcript variant (1), intron variant (2).
Genome position (GRCh38, 1-based): chr13:32,338,184, A>G. VCF-style: chr13-32338184-A-G. GRCh37 (hg19) VCF-style: chr13-32912321-A-G.
Other names: c.3829A>G, p.Asn1277Asp (NM_001406719.1, NM_001406720.1); c.1909+4797A>G (NM_001406721.1); c.425-6374A>G (NM_001406722.1); short protein forms N1277D.
Identifiers: ClinVar variation 2774903 (VCV002774903.2), dbSNP rs2137500385, ClinGen allele CA387778522.

ClinVar aggregate classification (germline): Uncertain significance (1 of 4 stars; one submission).

Conditions:
Hereditary cancer-predisposing syndrome. Also called: Neoplastic Syndromes, Hereditary; Tumor predisposition; Hereditary Cancer Syndrome; Hereditary neoplastic syndrome. Identifiers: Orphanet 140162, MedGen C0027672, MeSH D009386, MONDO:0015356.

Submission:

Color Diagnostics, LLC DBA Color Health
Classification: Uncertain significance for Hereditary cancer-predisposing syndrome. Last evaluated: 2022-03-07. Review status: criteria provided, single submitter. Criteria: ACMG Guidelines, 2015. Collection method: clinical testing. Allele origin: germline.
Comment: This missense variant replaces asparagine with aspartic acid at codon 1277 of the BRCA2 protein. Computational prediction suggests that this variant may not impact protein structure and function (internally defined REVEL score threshold <= 0.5, PMID: 27666373). To our knowledge, functional studies have not been reported for this variant. This variant has not been reported in individuals affected with hereditary cancer in the literature. This variant has not been identified in the general population by the Genome Aggregation Database (gnomAD). The available evidence is insufficient to determine the role of this variant in disease conclusively. Therefore, this variant is classified as a Variant of Uncertain Significance.